The following is an entry in ClinVar:

NM_000038.6(APC):c.3892del (p.Ser1298fs)

Gene: APC (APC regulator of Wnt signaling pathway; plus strand). Cytogenetic location: 5q22.2.
Variant type: Deletion.
Coding change: c.3892del on transcript NM_000038.6 (MANE Select); coding-DNA position 3892, one base deleted (T; older notation c.3892delT).
Protein change: p.Ser1298fs; shifts the reading frame from serine 1298.
Molecular consequence: frameshift variant.
Genome position (GRCh38, 1-based): chr5:112,839,486, T deleted; the last of 2 consecutive T bases (chr5:112,839,485-112,839,486); deleting either gives the same sequence. VCF-style (leftmost placement, unchanged base first): chr5-112839484-AT-A. GRCh37 (hg19) VCF-style: chr5-112175181-AT-A.
Other names: c.3892del, p.Ser1298fs (NM_001127510.3, NM_001354895.2); c.3838del, p.Ser1280fs (NM_001127511.3); c.3946del, p.Ser1316fs (NM_001354896.2); c.3922del, p.Ser1308fs (NM_001354897.2); c.3817del, p.Ser1273fs (NM_001354898.2); c.3808del, p.Ser1270fs (NM_001354899.2); c.3769del, p.Ser1257fs (NM_001354900.2); c.3715del, p.Ser1239fs (NM_001354901.2); and 16 more; short protein forms S1138fs, S1197fs, S1316fs, S1172fs, S1270fs, S1280fs, S1015fs, S1207fs.
Identifiers: ClinVar variation 1735909 (VCV001735909.2), dbSNP rs1580641218, ClinGen allele CA2580072313.

ClinVar aggregate classification (germline): Pathogenic (1 of 4 stars; one submission).

Conditions:
Hereditary cancer-predisposing syndrome. Also called: Neoplastic Syndromes, Hereditary; Tumor predisposition; Hereditary Cancer Syndrome; Hereditary neoplastic syndrome. Identifiers: Orphanet 140162, MedGen C0027672, MeSH D009386, MONDO:0015356.

Submission:

Ambry Genetics
Classification: Pathogenic for Hereditary cancer-predisposing syndrome. Last evaluated: 2016-08-29. Review status: criteria provided, single submitter. Criteria: Ambry Variant Classification Scheme 2023. Collection method: clinical testing. Allele origin: germline.
Comment: The c.3892delT pathogenic mutation, located in coding exon 15 of the APC gene, results from a deletion of one nucleotide at nucleotide position 3892, causing a translational frameshift with a predicted alternate stop codon. This alteration is expected to result in loss of function by premature protein truncation or nonsense-mediated mRNA decay. As such, this alteration is interpreted as a disease-causing mutation.